The following is an entry in ClinVar:

NM_005188.4(CBL):c.1925G>T (p.Ser642Ile)

Gene: CBL (Cbl proto-oncogene; plus strand). Cytogenetic location: 11q23.3.
Variant type: single nucleotide variant.
Coding change: c.1925G>T on transcript NM_005188.4 (MANE Select); coding-DNA position 1925, G replaced by T.
Protein change: p.Ser642Ile; replaces serine 642 with isoleucine.
Molecular consequence: missense variant.
Genome position (GRCh38, 1-based): chr11:119,285,550, G>T. VCF-style: chr11-119285550-G-T. GRCh37 (hg19) VCF-style: chr11-119156260-G-T.
Other names: c.1925G>T (NM_005188.2); short protein forms S642I.
Identifiers: ClinVar variation 981092 (VCV000981092.7), dbSNP rs571045498, ClinGen allele CA382921004.

ClinVar aggregate classification (germline): Conflicting classifications of pathogenicity. Review status: criteria provided, conflicting classifications (1 of 4 stars). 3 submissions from 3 submitters: Uncertain significance (2); Likely benign (1). Last evaluated 2026-01-27.

Conditions:
RASopathy. Also called: rasopathies; Noonan spectrum disorder. Identifiers: Orphanet 536391, MedGen C5555857, MONDO:0021060.
Cardiovascular phenotype. Identifiers: MedGen CN230736.

Allele frequency attached by ClinVar (database versions not stated): gnomAD 0.00001.
gnomAD v4.1: 6 of 1,613,924 alleles (0.00037%); highest among the groups gnomAD compares: Admixed American, 0.005%; no homozygotes.

Submissions (3):

Labcorp Genetics (formerly Invitae), Labcorp
Classification: Likely benign for RASopathy. Last evaluated: 2026-01-27. Review status: criteria provided, single submitter. Criteria: Invitae Variant Classification Sherloc (09022015). Collection method: clinical testing. Allele origin: germline.

Ambry Genetics
Classification: Uncertain significance for Cardiovascular phenotype. Last evaluated: 2024-11-22. Review status: criteria provided, single submitter. Criteria: Ambry Variant Classification Scheme 2023. Collection method: clinical testing. Allele origin: germline.
Comment: The p.S642I variant (also known as c.1925G>T), located in coding exon 11 of the CBL gene, results from a G to T substitution at nucleotide position 1925. The serine at codon 642 is replaced by isoleucine, an amino acid with dissimilar properties. This amino acid position is conserved. In addition, the in silico prediction for this alteration is inconclusive. Based on the available evidence, the clinical significance of this variant remains unclear.

Women's Health and Genetics/Laboratory Corporation of America, LabCorp
Classification: Uncertain significance. Last evaluated: 2020-09-16. Review status: criteria provided, single submitter. Criteria: LabCorp Variant Classification Summary - May 2015. Collection method: clinical testing. Allele origin: germline.
Comment: Variant summary: CBL c.1925G>T (p.Ser642Ile) results in a non-conservative amino acid change in the encoded protein sequence. Three of five in-silico tools predict a damaging effect of the variant on protein function. The variant allele was found at a frequency of 4e-06 in 251050 control chromosomes (gnomAD). The available data on variant occurrences in the general population are insufficient to allow any conclusion about variant significance. To our knowledge, no occurrence of c.1925G>T in individuals affected with Noonan Syndrome-Like Disorder and no experimental evidence demonstrating its impact on protein function have been reported. No clinical diagnostic laboratories have submitted clinical-significance assessments for this variant to ClinVar after 2014. Based on the evidence outlined above, the variant was classified as uncertain significance.